The following is an entry in ClinVar:

ClinVar aggregate classification (germline): Uncertain significance (1 of 4 stars; one submission).

Submission:

Ambry Genetics
Classification: Uncertain significance. Last evaluated: 2022-08-08. Review status: criteria provided, single submitter. Criteria: Ambry Variant Classification Scheme 2023. Collection method: clinical testing. Allele origin: germline.
Comment: The p.E1710A variant (also known as c.5129A>C), located in coding exon 44 of the KIF1B gene, results from an A to C substitution at nucleotide position 5129. The glutamic acid at codon 1710 is replaced by alanine, an amino acid with dissimilar properties. This amino acid position is conserved. In addition, the in silico prediction for this alteration is inconclusive. Since supporting evidence is limited at this time, the clinical significance of this alteration remains unclear.

NM_001365951.3(KIF1B):c.5267A>C (p.Glu1756Ala)

Gene: KIF1B (kinesin family member 1B; plus strand). Cytogenetic location: 1p36.22.
Variant type: single nucleotide variant.
Coding change: c.5267A>C on transcript NM_001365951.3 (MANE Select); coding-DNA position 5267, A replaced by C.
Protein change: p.Glu1756Ala; replaces glutamic acid 1756 with alanine.
Molecular consequence: missense variant.
Genome position (GRCh38, 1-based): chr1:10,375,024, A>C. VCF-style: chr1-10375024-A-C. GRCh37 (hg19) VCF-style: chr1-10435082-A-C.
Other names: c.5267A>C, p.Glu1756Ala (NM_001365952.1); c.5129A>C, p.Glu1710Ala (NM_015074.3); short protein forms E1710A, E1756A.
Identifiers: ClinVar variation 1745518 (VCV001745518.2), dbSNP rs2521983680, ClinGen allele CA338330940.